The following is an entry in ClinVar:

ClinVar aggregate classification (germline): Conflicting classifications of pathogenicity. Review status: criteria provided, conflicting classifications (1 of 4 stars). 2 submissions from 2 submitters: Likely pathogenic (1); Uncertain significance (1). Last evaluated 2023-03-01.

Conditions:
Leukodystrophy, hypomyelinating, 2. Also called: PELIZAEUS-MERZBACHER-LIKE DISEASE, 1. Identifiers: Orphanet 280270, Orphanet 280282, MedGen C1837355, MONDO:0012125, OMIM 608804.

Allele frequency attached by ClinVar (database versions not stated): gnomAD exomes below 0.00001.

Submissions (2):

CeGaT Center for Human Genetics Tuebingen
Classification: Uncertain significance. Last evaluated: 2023-03-01. Review status: criteria provided, single submitter. Criteria: CeGaT Center For Human Genetics Tuebingen Variant Classification Criteria Version 2. Collection method: clinical testing. Allele origin: germline. Affected: yes. Observed: 1 variant allele.
Comment: GJC2: PM2, PM3:Supporting, PP3

Institute of Human Genetics, University Hospital of Duesseldorf
Classification: Likely pathogenic for Leukodystrophy, hypomyelinating, 2. Review status: criteria provided, single submitter. Criteria: ACMG Guidelines, 2015. Collection method: not provided. Allele origin: germline. Inheritance: Autosomal recessive inheritance. Affected: yes.

NM_020435.4(GJC2):c.820G>C (p.Val274Leu)

Gene: GJC2 (gap junction protein gamma 2; plus strand). Cytogenetic location: 1q42.13.
Variant type: single nucleotide variant.
Coding change: c.820G>C on transcript NM_020435.4 (MANE Select); coding-DNA position 820, G replaced by C.
Protein change: p.Val274Leu; replaces valine 274 with leucine.
Molecular consequence: missense variant.
Genome position (GRCh38, 1-based): chr1:228,158,578, G>C. VCF-style: chr1-228158578-G-C. GRCh37 (hg19) VCF-style: chr1-228346279-G-C.
Other names: short protein forms V274L.
Identifiers: ClinVar variation 2498449 (VCV002498449.29), dbSNP rs2527877227, ClinGen allele CA345099569.
Genomic context (GRCh38, chr1:228,158,578, plus strand): 5'-GTGGACTGCTTCGTGTCGCGCCCTACTGAAAAGACGGTCTTCCTGCTGGTTATGTACGTG[G>C]TCAGCTGCCTGTGCCTGCTGCTCAACCTCTGTGAGATGGCCCACCTGGGCTTGGGCAGCG-3'
Protein context (NP_065168.2, residues 264-284): KTVFLLVMYV[Val274Leu]SCLCLLLNLC